The following is an entry in ClinVar:

NM_007294.4(BRCA1):c.791del (p.Ser264fs)

Gene: BRCA1 (BRCA1 DNA repair associated; minus strand). Cytogenetic location: 17q21.31.
Variant type: Deletion.
Coding change: c.791del on transcript NM_007294.4 (MANE Select); coding-DNA position 791, one base deleted (G; older notation c.791delG).
Protein change: p.Ser264fs; shifts the reading frame from serine 264.
Molecular consequence: frameshift variant. On other transcripts: 5 prime UTR variant (2), intron variant (136), splice donor variant (1).
Genome position (GRCh38, 1-based): chr17:43,094,740, C deleted on the plus strand (G on the coding strand, the reverse complement: BRCA1 is on the minus strand). VCF-style (leftmost placement, unchanged base first): chr17-43094739-AC-A. GRCh37 (hg19) VCF-style: chr17-41246756-AC-A.
Other names: c.650del, p.Ser217fs (NM_001407750.1, NM_001407751.1, NM_001407752.1 and 29 more transcripts); c.647del, p.Ser216fs (NM_001407838.1, NM_001407839.1, NM_001407841.1 and 20 more transcripts); c.578del, p.Ser193fs (NM_001407853.1, NM_001407894.1, NM_001407895.1 and 9 more transcripts); c.791del, p.Ser264fs (NM_001407854.1, NM_001407858.1, NM_001407859.1 and 30 more transcripts); c.788del, p.Ser263fs (NM_001407860.1, NM_001407861.1, NM_001407587.1 and 22 more transcripts); c.590del, p.Ser197fs (NM_001407862.1); c.668del, p.Ser223fs (NM_001407863.1, NM_001407919.1, NM_001407937.1 and 19 more transcripts); c.587del, p.Ser196fs (NM_001407874.1, NM_001407875.1); and 40 more; short protein forms S217fs, S264fs, S136fs, S176fs, S194fs, S196fs, S261fs, S96fs.
Identifiers: ClinVar variation 1413004 (VCV001413004.7), dbSNP rs2154492556, ClinGen allele CA2573154063.

ClinVar aggregate classification (germline): Pathogenic (1 of 4 stars; one submission).

Conditions:
Hereditary breast ovarian cancer syndrome. Also called: Hereditary breast and ovarian cancer syndrome (HBOC); Breast and ovarian cancer; Hereditary breast and ovarian cancer syndrome; Hereditary breast and/or ovarian cancer syndrome; Hereditary breast and ovarian cancer; BRCA1- and BRCA2-Associated Hereditary Breast and Ovarian Cancer. Identifiers: Orphanet 145, MedGen C0677776, MeSH D061325, MONDO:0003582. Disease mechanism: loss of function.

Submission:

Labcorp Genetics (formerly Invitae), Labcorp
Classification: Pathogenic for Hereditary breast ovarian cancer syndrome. Last evaluated: 2021-08-30. Review status: criteria provided, single submitter. Criteria: Invitae Variant Classification Sherloc (09022015). Collection method: clinical testing. Allele origin: germline.
Comment: This variant has not been reported in the literature in individuals with BRCA1-related conditions. For these reasons, this variant has been classified as Pathogenic. This variant is not present in population databases (ExAC no frequency). This sequence change creates a premature translational stop signal (p.Ser264Ilefs*34) in the BRCA1 gene. It is expected to result in an absent or disrupted protein product. Loss-of-function variants in BRCA1 are known to be pathogenic (PMID: 20104584).

Literature cited by the submitters: PubMed 20104584.